The following is an entry in ClinVar:

NM_000277.3(PAH):c.1199+2T>G

Gene: PAH (phenylalanine hydroxylase; minus strand). Cytogenetic location: 12q23.2.
Variant type: single nucleotide variant.
Coding change: c.1199+2T>G on transcript NM_000277.3 (MANE Select); the canonical splice donor site of the intron after coding-DNA position 1199, T replaced by G.
Molecular consequence: splice donor variant.
Genome position (GRCh38, 1-based): chr12:102,843,644, A>C on the plus strand (T>G on the coding strand, the complement: PAH is on the minus strand). VCF-style: chr12-102843644-A-C. GRCh37 (hg19) VCF-style: chr12-103237422-A-C.
Other names: c.1199+2T>G (NM_001354304.2).
Identifiers: ClinVar variation 557365 (VCV000557365.3), dbSNP rs62508737, ClinGen allele CA386493122.

ClinVar aggregate classification (germline): Likely pathogenic. Review status: reviewed by expert panel (3 of 4 stars). 2 submissions from 2 submitters: Likely pathogenic (1). 1 of the submissions does not count toward it. Last evaluated 2023-03-16.

Conditions:
Phenylketonuria (PKU). Also called: OLIGOPHRENIA PHENYLPYRUVICA; Phenylketonurias; FOLLING DISEASE; Phenylketonuria (PKU). Identifiers: Orphanet 716, MedGen C0031485, MONDO:0009861, OMIM 261600. Disease mechanism: loss of function.

Submissions (2):

ClinGen PAH Variant Curation Expert Panel
Classification: Likely pathogenic for Phenylketonuria. Last evaluated: 2023-03-16. Review status: reviewed by expert panel. Criteria: ClinGen PAH ACMG Specifications v1. Collection method: curation. Allele origin: germline. Inheritance: Autosomal recessive inheritance.
Comment: The c.1199+2T>G variant in PAH occurs within the canonical splice donor of intron 11. It is predicted to cause skipping of biologically-relevant exon 11, resulting in a frameshift leading to nonsense mediated decay in a gene in which loss of function is an established disease mechanism. This variant may be reported in the literature (PMID: 25863075), but is unavailable for evaluation. Sequence analysis of a PKU mouse model with this variant revealed two cryptic splice donor sites, upstream and downstream of the wild-type splice site (PMID: 11161825). This variant is absent in population databases. In summary, this variant meets criteria to be classified as Likely Pathogenic for PAH deficiency based on the ACMG/AMP criteria applied, as specified by the ClinGen PAH VCEP: PM2, PVS1

Counsyl
Classification: Likely pathogenic for Phenylketonuria. Last evaluated: 2018-03-20. Review status: no assertion criteria provided. Collection method: clinical testing. Allele origin: unknown. Not counted in ClinVar's aggregate classification.

Literature cited by the submitters: PubMed 11161825 (cited by Counsyl); PubMed 25863075 (cited by Counsyl).